The following is an entry in ClinVar:

NM_000077.5(CDKN2A):c.114C>T (p.Pro38=)

Gene: CDKN2A (cyclin dependent kinase inhibitor 2A; minus strand). Cytogenetic location: 9p21.3.
Variant type: single nucleotide variant.
Coding change: c.114C>T on transcript NM_000077.5; coding-DNA position 114, C replaced by T.
Protein change: p.Pro38=; no amino-acid change (proline 38 retained).
Molecular consequence: synonymous variant (on NM_000077.6). On other transcripts: intron variant (2).
Genome position (GRCh38, 1-based): chr9:21,974,714, G>A on the plus strand (C>T on the coding strand, the complement: CDKN2A is on the minus strand). VCF-style: chr9-21974714-G-A. GRCh37 (hg19) VCF-style: chr9-21974713-G-A.
Other names: c.114C>T, p.Pro38= (NM_000077.6, NM_001195132.2, NM_058197.5); c.-3-3506C>T (NM_001363763.2); c.194-3506C>T (NM_058195.4).
Identifiers: ClinVar variation 2563908 (VCV002563908.4), dbSNP rs2131112444, ClinGen allele CA464100130.

ClinVar aggregate classification (germline): Benign/Likely benign. Review status: criteria provided, multiple submitters, no conflicts (2 of 4 stars). 3 submissions from 3 submitters: Benign (1); Likely benign (2). Last evaluated 2025-08-13.

Conditions:
Familial melanoma. Also called: Hereditary melanoma; Hereditary cutaneous melanoma. Identifiers: Orphanet 618, MedGen C1512419, MONDO:0018961.
Hereditary cancer-predisposing syndrome. Also called: Tumor predisposition; Neoplastic Syndromes, Hereditary; Hereditary Cancer Syndrome; Hereditary neoplastic syndrome. Identifiers: Orphanet 140162, MedGen C0027672, MeSH D009386, MONDO:0015356.
Melanoma-pancreatic cancer syndrome. Identifiers: Orphanet 404560, MedGen C1838547, MONDO:0011713, OMIM 606719. Disease mechanism: loss of function.

Submissions (3):

Myriad Genetics, Inc.
Classification: Benign for Melanoma-pancreatic cancer syndrome. Last evaluated: 2025-08-13. Review status: criteria provided, single submitter. Criteria: Myriad Autosomal Dominant, Autosomal Recessive and X-Linked Classification Criteria (2023). Collection method: clinical testing. Allele origin: unknown.
Comment: This variant is considered benign. This variant is a silent/synonymous amino acid change and it is not expected to impact splicing.

Labcorp Genetics (formerly Invitae), Labcorp
Classification: Likely benign for Familial melanoma. Last evaluated: 2025-06-25. Review status: criteria provided, single submitter. Criteria: Invitae Variant Classification Sherloc (09022015). Collection method: clinical testing. Allele origin: germline.

Ambry Genetics
Classification: Likely benign for Hereditary cancer-predisposing syndrome. Last evaluated: 2023-03-27. Review status: criteria provided, single submitter. Criteria: Ambry Variant Classification Scheme 2023. Collection method: clinical testing. Allele origin: germline.